The following is an entry in ClinVar:

ClinVar aggregate classification (germline): Uncertain significance (1 of 4 stars; one submission).

Allele frequency attached by ClinVar (database versions not stated): gnomAD exomes below 0.00001 and 0.00001; ExAC 0.00001.
gnomAD v4.1: 9 of 1,608,196 alleles (0.00056%); highest among the groups gnomAD compares: South Asian, 0.0011%; no homozygotes.

Submission:

GeneDx
Classification: Uncertain significance. Last evaluated: 2017-10-03. Review status: criteria provided, single submitter. Criteria: GeneDx Variant Classification (06012015). Collection method: clinical testing. Allele origin: germline. Affected: yes.
Comment: The M478V variant in the DNAJC21 gene has not been reported previously as a pathogenic variant, nor as a benign variant, to our knowledge. The M478V variant is not observed at a significant frequency in large population cohorts (Lek et al., 2016). The M478V variant is a conservative amino acid substitution, which is not likely to impact secondary protein structure as these residues share similar properties. This substitution occurs at a position that is not conserved. In silico analysis predicts this variant likely does not alter the protein structure/function. We interpret M478V as a variant of uncertain significance.

NM_001012339.3(DNAJC21):c.1432A>G (p.Met478Val)

Gene: DNAJC21 (DnaJ heat shock protein family (Hsp40) member C21; plus strand). Cytogenetic location: 5p13.2.
Variant type: single nucleotide variant.
Coding change: c.1432A>G on transcript NM_001012339.3 (MANE Select); coding-DNA position 1432, A replaced by G.
Protein change: p.Met478Val; replaces methionine 478 with valine.
Molecular consequence: missense variant.
Genome position (GRCh38, 1-based): chr5:34,953,999, A>G. VCF-style: chr5-34953999-A-G. GRCh37 (hg19) VCF-style: chr5-34954104-A-G.
Other names: c.1471A>G, p.Met491Val (NM_001348420.2); c.1567A>G, p.Met523Val (NM_194283.4); short protein forms M523V, M478V, M491V.
Identifiers: ClinVar variation 452421 (VCV000452421.2), dbSNP rs757656933, ClinGen allele CA3228849.